The following is an entry in ClinVar:

ClinVar aggregate classification (germline): Uncertain significance (1 of 4 stars; one submission).

Conditions:
PCNT-related disorder. Also called: PCNT-related condition.

Submission:

PreventionGenetics, part of Exact Sciences
Classification: Uncertain significance for PCNT-related condition. Last evaluated: 2024-12-02. Review status: criteria provided, single submitter. Criteria: ACMG Guidelines, 2015. Collection method: clinical testing. Allele origin: germline.
Comment: The PCNT c.2468A>C variant is predicted to result in the amino acid substitution p.Gln823Pro. To our knowledge, this variant has not been reported in the literature or in a large population database (gnomAD), indicating this variant is rare. At this time, the clinical significance of this variant is uncertain due to the absence of conclusive functional and genetic evidence.

NM_006031.6(PCNT):c.2468A>C (p.Gln823Pro)

Gene: PCNT (pericentrin; plus strand). Cytogenetic location: 21q22.3.
Variant type: single nucleotide variant.
Coding change: c.2468A>C on transcript NM_006031.6 (MANE Select); coding-DNA position 2468, A replaced by C.
Protein change: p.Gln823Pro; replaces glutamine 823 with proline.
Molecular consequence: missense variant.
Genome position (GRCh38, 1-based): chr21:46,363,793, A>C. VCF-style: chr21-46363793-A-C. GRCh37 (hg19) VCF-style: chr21-47783708-A-C.
Other names: c.2114A>C, p.Gln705Pro (NM_001315529.2); short protein forms Q823P, Q705P.
Identifiers: ClinVar variation 5000588 (VCV005000588.1).
Genomic context (GRCh38, chr21:46,363,793, plus strand): 5'-AGGCAGCCCAGATCCTGGATCTGGAGAGGTCCTTGACGGAGCAGCAGGGCCGCCTGCAGC[A>C]GCTGGAACAGGACCTCACTTCAGACGACGCCCTGCATTGCAGCCAGTGTGGGCGGGAGCC-3'
Protein context (NP_006022.3, residues 813-833): SLTEQQGRLQ[Gln823Pro]LEQDLTSDDA